The following is an entry in ClinVar:

NM_000179.3(MSH6):c.590A>T (p.Asp197Val)

Gene: MSH6 (mutS homolog 6; plus strand). Cytogenetic location: 2p16.3.
Variant type: single nucleotide variant.
Coding change: c.590A>T on transcript NM_000179.3 (MANE Select); coding-DNA position 590, A replaced by T.
Protein change: p.Asp197Val; replaces aspartic acid 197 with valine.
Molecular consequence: missense variant. On other transcripts: non-coding transcript variant (5), intron variant (8), 5 prime UTR variant (2).
Genome position (GRCh38, 1-based): chr2:47,796,026, A>T. VCF-style: chr2-47796026-A-T. GRCh37 (hg19) VCF-style: chr2-48023165-A-T.
Other names: c.590A>T, p.Asp197Val (NM_001406817.1, NM_001407362.1, NM_001406796.1 and 5 more transcripts); c.293A>T, p.Asp98Val (NM_001406818.1, NM_001406819.1, NM_001406820.1 and 10 more transcripts); c.422A>T, p.Asp141Val (NM_001406826.1); c.-279-2585A>T (NM_001406811.1, NM_001281493.2, NM_001406812.1 and 4 more transcripts); c.238-2585A>T (NM_001281492.2); c.-313A>T (NM_001281494.2); c.686A>T, p.Asp229Val (NM_001406795.1, NM_001406802.1); c.65A>T, p.Asp22Val (NM_001406799.1, NM_001406806.1, NM_001406807.1); and 3 more; short protein forms D199V, D22V, D98V, D197V, D141V, D171V, D229V.
Identifiers: ClinVar variation 2770898 (VCV002770898.3), dbSNP rs1553411488, ClinGen allele CA346738833.

ClinVar aggregate classification (germline): Uncertain significance (1 of 4 stars; one submission).

Conditions:
Hereditary nonpolyposis colorectal neoplasms. Identifiers: MedGen C0009405, MeSH D003123.

Submission:

Labcorp Genetics (formerly Invitae), Labcorp
Classification: Uncertain significance for Hereditary nonpolyposis colorectal neoplasms. Last evaluated: 2023-10-22. Review status: criteria provided, single submitter. Criteria: Invitae Variant Classification Sherloc (09022015). Collection method: clinical testing. Allele origin: germline.
Comment: This sequence change replaces aspartic acid, which is acidic and polar, with valine, which is neutral and non-polar, at codon 197 of the MSH6 protein (p.Asp197Val). This variant is not present in population databases (gnomAD no frequency). This variant has not been reported in the literature in individuals affected with MSH6-related conditions. Advanced modeling of protein sequence and biophysical properties (such as structural, functional, and spatial information, amino acid conservation, physicochemical variation, residue mobility, and thermodynamic stability) performed at Invitae indicates that this missense variant is not expected to disrupt MSH6 protein function. In summary, the available evidence is currently insufficient to determine the role of this variant in disease. Therefore, it has been classified as a Variant of Uncertain Significance.